The following is an entry in ClinVar:

NM_005477.3(HCN4):c.2522C>T (p.Ser841Leu)

Gene: HCN4 (hyperpolarization activated cyclic nucleotide gated potassium channel 4; minus strand). Cytogenetic location: 15q24.1.
Variant type: single nucleotide variant.
Coding change: c.2522C>T on transcript NM_005477.3 (MANE Select); coding-DNA position 2522, C replaced by T.
Protein change: p.Ser841Leu; replaces serine 841 with leucine.
Molecular consequence: missense variant.
Genome position (GRCh38, 1-based): chr15:73,323,571, G>A on the plus strand (C>T on the coding strand, the complement: HCN4 is on the minus strand). VCF-style: chr15-73323571-G-A. GRCh37 (hg19) VCF-style: chr15-73615912-G-A.
Other names: short protein forms S841L.
Identifiers: ClinVar variation 190782 (VCV000190782.14), dbSNP rs200546024, ClinGen allele CA235703.
Genomic context (GRCh38, chr15:73,323,571, plus strand): 5'-TGTTGGATGTGGAAGGAGGATGAAGACGGTGTGTCCACCTGGGACGGGCTGCTGGCGGGC[G>A]AGGCGGAGCCCAGCGCAGAAGGGATCAGGGACTGCAGCCGTTTCAGGTGCCTTGGCGTCT-3'
Protein context (NP_005468.1, residues 831-851): SLIPSALGSA[Ser841Leu]PASSPSQVDT

ClinVar aggregate classification (germline): Likely benign. Review status: criteria provided, multiple submitters, no conflicts (2 of 4 stars). 4 submissions from 4 submitters: Likely benign (3). 1 of the submissions does not count toward it. Last evaluated 2026-01-28.

Conditions:
Cardiovascular phenotype. Identifiers: MedGen CN230736.
Brugada syndrome 8 (BRGDA8). Identifiers: Orphanet 130, MedGen C2751083, MONDO:0013148, OMIM 613123.

Allele frequency attached by ClinVar (database versions not stated): TOPMed 0.00008; ExAC 0.00009; gnomAD 0.00011 and 0.00010; gnomAD exomes 0.00005 and 0.00012; ESP Exome Variant Server 0.00023.
gnomAD v4.1: 98 of 1,600,672 alleles (0.0061%); highest among the groups gnomAD compares: South Asian, 0.0066%; no homozygotes.

Submissions (4):

Labcorp Genetics (formerly Invitae), Labcorp
Classification: Likely benign for Brugada syndrome 8. Last evaluated: 2026-01-28. Review status: criteria provided, single submitter. Criteria: Invitae Variant Classification Sherloc (09022015). Collection method: clinical testing. Allele origin: germline.

Ambry Genetics
Classification: Likely benign for Cardiovascular phenotype. Last evaluated: 2019-08-02. Review status: criteria provided, single submitter. Criteria: Ambry Variant Classification Scheme 2023. Collection method: clinical testing. Allele origin: germline.

Biesecker Lab/Clinical Genomics Section, National Institutes of Health
Classification: Likely benign. Last evaluated: 2013-06-24. Review status: criteria provided, single submitter. Criteria: Ng et al. (Circ Cardiovasc Genet. 2013). Collection method: research. Allele origin: unknown. Observed: 3 variant alleles. Study: ClinSeq.
Comment: The study set was not selected for affection status in relation to any cancer. Pathogenicity categories were based on literature curation. See Pubmed ID:23861362 for details.

Medical sequencing

OMIM
Classification: Uncertain significance for RECLASSIFIED - VARIANT OF UNKNOWN SIGNIFICANCE. Last evaluated: 2012-10-09. Review status: no assertion criteria provided. Collection method: literature only. Allele origin: germline. Not counted in ClinVar's aggregate classification.

Literature cited by the submitters: PubMed 22840528 (cited by Ambry Genetics and OMIM); PubMed 23861362 (cited by Ambry Genetics); PubMed 26704558 (cited by Ambry Genetics); PubMed 28750076 (cited by Ambry Genetics); PubMed 30662450 (cited by Ambry Genetics); PubMed 30821013 (cited by Ambry Genetics); Hamosh, A. Personal Communication. 2022. Baltimore, Md. (cited by OMIM).